The following is an entry in ClinVar:

NM_033026.6(PCLO):c.7232C>T (p.Pro2411Leu)

Gene: PCLO (piccolo presynaptic cytomatrix protein; minus strand). Cytogenetic location: 7q21.11.
Variant type: single nucleotide variant.
Coding change: c.7232C>T on transcript NM_033026.6 (MANE Select); coding-DNA position 7232, C replaced by T.
Protein change: p.Pro2411Leu; replaces proline 2411 with leucine.
Molecular consequence: missense variant.
Genome position (GRCh38, 1-based): chr7:82,953,721, G>A on the plus strand (C>T on the coding strand, the complement: PCLO is on the minus strand). VCF-style: chr7-82953721-G-A. GRCh37 (hg19) VCF-style: chr7-82583037-G-A.
Other names: c.7232C>T, p.Pro2411Leu (NM_014510.3); short protein forms P2411L.
Identifiers: ClinVar variation 1510342 (VCV001510342.5), dbSNP rs1358529334, ClinGen allele CA367917416.
Genomic context (GRCh38, chr7:82,953,721, plus strand): 5'-GTTGGTGGAGGAAGTGGTGGGGGAGGAGGGGGTGGTGGTGGAGGAGGAGGAGGAGGGGGA[G>A]GGGGAGGAGGGGGAGGAGGTTGAGCTGATATATCCAAAGAAGAACTTCTAAAGAATGGGC-3'
Protein context (NP_149015.2, residues 2401-2421): ISAQPPPPPP[Pro2411Leu]PPPPPPPPPP

ClinVar aggregate classification (germline): Uncertain significance (1 of 4 stars; one submission).

Allele frequency attached by ClinVar (database versions not stated): gnomAD exomes 0.00001.

Submission:

Labcorp Genetics (formerly Invitae), Labcorp
Classification: Uncertain significance. Last evaluated: 2021-09-01. Review status: criteria provided, single submitter. Criteria: Invitae Variant Classification Sherloc (09022015). Collection method: clinical testing. Allele origin: germline.
Comment: This sequence change replaces proline with leucine at codon 2411 of the PCLO protein (p.Pro2411Leu). The proline residue is moderately conserved and there is a moderate physicochemical difference between proline and leucine. The frequency data for this variant in the population databases is considered unreliable, as metrics indicate insufficient coverage at this position in the ExAC database. This variant has not been reported in the literature in individuals affected with PCLO-related conditions. Algorithms developed to predict the effect of missense changes on protein structure and function are either unavailable or do not agree on the potential impact of this missense change (SIFT: "Deleterious"; PolyPhen-2: "Not Available"; Align-GVGD: "Class C0"). In summary, the available evidence is currently insufficient to determine the role of this variant in disease. Therefore, it has been classified as a Variant of Uncertain Significance.